The following is an entry in ClinVar:

NM_003072.5(SMARCA4):c.1420-19C>T

Gene: SMARCA4 (SWI/SNF related BAF chromatin remodeling complex subunit ATPase 4; plus strand). Cytogenetic location: 19p13.2.
Variant type: single nucleotide variant.
Coding change: c.1420-19C>T on transcript NM_003072.5 (MANE Select); 19 bases into the intron before coding-DNA position 1420, C replaced by T.
Molecular consequence: intron variant.
Genome position (GRCh38, 1-based): chr19:10,994,809, C>T. VCF-style: chr19-10994809-C-T. GRCh37 (hg19) VCF-style: chr19-11105485-C-T.
Other names: c.1420-19C>T (NM_001128844.3, NM_001128849.3, NM_001128847.4 and 5 more transcripts).
Identifiers: ClinVar variation 1564983 (VCV001564983.9), dbSNP rs2145935957, ClinGen allele CA2573155704.

ClinVar aggregate classification (germline): Likely benign. Review status: criteria provided, multiple submitters, no conflicts (2 of 4 stars). 2 submissions from 2 submitters: Likely benign (2). Last evaluated 2026-07-06.

Conditions:
Rhabdoid tumor predisposition syndrome 2 (RTPS2). Identifiers: Orphanet 231108, Orphanet 69077, MedGen C2750074, MONDO:0013224, OMIM 613325.

Submissions (2):

Myriad Genetics, Inc.
Classification: Likely benign for Rhabdoid tumor predisposition syndrome 2. Last evaluated: 2026-07-06. Review status: criteria provided, single submitter. Criteria: Myriad Autosomal Dominant, Autosomal Recessive and X-Linked Classification Criteria (2023). Collection method: clinical testing. Allele origin: unknown.
Comment: This variant is considered likely benign. This variant is intronic and is not expected to impact mRNA splicing.

Labcorp Genetics (formerly Invitae), Labcorp
Classification: Likely benign for Rhabdoid tumor predisposition syndrome 2. Last evaluated: 2024-03-23. Review status: criteria provided, single submitter. Criteria: Invitae Variant Classification Sherloc (09022015). Collection method: clinical testing. Allele origin: germline.